The following is an entry in ClinVar:

NM_032603.5(LOXL3):c.1355C>T (p.Thr452Ile)

Gene: LOXL3 (lysyl oxidase like 3; minus strand). Cytogenetic location: 2p13.1.
Variant type: single nucleotide variant.
Coding change: c.1355C>T on transcript NM_032603.5 (MANE Select); coding-DNA position 1355, C replaced by T.
Protein change: p.Thr452Ile; replaces threonine 452 with isoleucine.
Molecular consequence: missense variant.
Genome position (GRCh38, 1-based): chr2:74,535,649, G>A on the plus strand (C>T on the coding strand, the complement: LOXL3 is on the minus strand). VCF-style: chr2-74535649-G-A. GRCh37 (hg19) VCF-style: chr2-74762776-G-A.
Other names: c.920C>T, p.Thr307Ile (NM_001289164.3); c.272C>T, p.Thr91Ile (NM_001289165.2); short protein forms T452I, T91I, T307I.
Identifiers: ClinVar variation 1926668 (VCV001926668.5), dbSNP rs767139916, ClinGen allele CA50491705.

ClinVar aggregate classification (germline): Uncertain significance (1 of 4 stars; one submission).

gnomAD v4.1: 16 of 1,613,832 alleles (0.00099%); highest among the groups gnomAD compares: Non-Finnish European, 0.0014%; no homozygotes.

Submission:

Labcorp Genetics (formerly Invitae), Labcorp
Classification: Uncertain significance. Last evaluated: 2022-07-01. Review status: criteria provided, single submitter. Criteria: Invitae Variant Classification Sherloc (09022015). Collection method: clinical testing. Allele origin: germline.
Comment: In summary, the available evidence is currently insufficient to determine the role of this variant in disease. Therefore, it has been classified as a Variant of Uncertain Significance. Algorithms developed to predict the effect of missense changes on protein structure and function are either unavailable or do not agree on the potential impact of this missense change (SIFT: "Deleterious"; PolyPhen-2: "Benign"; Align-GVGD: "Class C65"). This variant has not been reported in the literature in individuals affected with LOXL3-related conditions. This variant is not present in population databases (gnomAD no frequency). This sequence change replaces threonine, which is neutral and polar, with isoleucine, which is neutral and non-polar, at codon 452 of the LOXL3 protein (p.Thr452Ile).